The following is an entry in ClinVar:

ClinVar aggregate classification (germline): Uncertain significance (1 of 4 stars; one submission).

Conditions:
Spastic paraplegia. Identifiers: MedGen C0037772, HP:0001258.

Allele frequency attached by ClinVar (database versions not stated): gnomAD exomes below 0.00001; TOPMed below 0.00001.
gnomAD v4.1: 5 of 1,211,872 alleles (0.00041%); highest among the groups gnomAD compares: Non-Finnish European, 0.00056%; no homozygotes.

Submission:

Labcorp Genetics (formerly Invitae), Labcorp
Classification: Uncertain significance for Spastic paraplegia. Last evaluated: 2022-06-23. Review status: criteria provided, single submitter. Criteria: Invitae Variant Classification Sherloc (09022015). Collection method: clinical testing. Allele origin: germline.
Comment: In summary, the available evidence is currently insufficient to determine the role of this variant in disease. Therefore, it has been classified as a Variant of Uncertain Significance. Advanced modeling of protein sequence and biophysical properties (such as structural, functional, and spatial information, amino acid conservation, physicochemical variation, residue mobility, and thermodynamic stability) performed at Invitae indicates that this missense variant is not expected to disrupt KDM5C protein function. This variant has not been reported in the literature in individuals affected with KDM5C-related conditions. This variant is not present in population databases (gnomAD no frequency). This sequence change replaces glycine, which is neutral and non-polar, with arginine, which is basic and polar, at codon 1198 of the KDM5C protein (p.Gly1198Arg).

NM_004187.5(KDM5C):c.3592G>A (p.Gly1198Arg)

Gene: KDM5C (lysine demethylase 5C; minus strand). Cytogenetic location: Xp11.22.
Variant type: single nucleotide variant.
Coding change: c.3592G>A on transcript NM_004187.5 (MANE Select); coding-DNA position 3592, G replaced by A.
Protein change: p.Gly1198Arg; replaces glycine 1198 with arginine.
Molecular consequence: missense variant. On other transcripts: non-coding transcript variant (3).
Genome position (GRCh38, 1-based): chrX:53,194,585, C>T on the plus strand (G>A on the coding strand, the complement: KDM5C is on the minus strand). VCF-style: chrX-53194585-C-T. GRCh37 (hg19) VCF-style: chrX-53223767-C-T.
Other names: c.3589G>A, p.Gly1197Arg (NM_001353982.2, NM_001282622.3, NM_001353979.2); c.3592G>A, p.Gly1198Arg (NM_001353984.2, NM_001353978.3, NM_001353981.2); c.3391G>A, p.Gly1131Arg (NM_001146702.2); short protein forms G1131R, G1198R, G1197R.
Identifiers: ClinVar variation 1961107 (VCV001961107.5), dbSNP rs1934678963, ClinGen allele CA413108154.